The following is an entry in ClinVar:

NM_001386795.1(DTNA):c.937C>A (p.Arg313Ser)

Gene: DTNA (dystrobrevin alpha; plus strand). Cytogenetic location: 18q12.1.
Variant type: single nucleotide variant.
Coding change: c.937C>A on transcript NM_001386795.1 (MANE Select); coding-DNA position 937, C replaced by A.
Protein change: p.Arg313Ser; replaces arginine 313 with serine.
Molecular consequence: missense variant. On other transcripts: 5 prime UTR variant (4), intron variant (1).
Genome position (GRCh38, 1-based): chr18:34,820,851, C>A. VCF-style: chr18-34820851-C-A. GRCh37 (hg19) VCF-style: chr18-32400815-C-A.
Other names: c.937C>A, p.Arg313Ser (NM_001128175.2, NM_001198938.2, NM_001198939.2 and 34 more transcripts); c.937C>A (NM_001390.4); c.-18C>A (NM_001198942.1, NM_001198944.1, NM_032980.4 and 1 more transcripts); c.187C>A, p.Arg63Ser (NM_001198943.1); c.603+8738C>A (NM_001198945.2); short protein forms R63S, R313S.
Identifiers: ClinVar variation 3712589 (VCV003712589.3).
Genomic context (GRCh38, chr18:34,820,851, plus strand): 5'-AAATCACCTGCTAAGAAGCTGACTAATGCATTAAGCAAGTCCCTGAGCTGTGCTTCCAGC[C>A]GTGAACCTTTGCACCCCATGTTCCCAGATCAGCCTGAGAAGCCACTCAACTTGGCTCACA-3'
Protein context (NP_001373724.1, residues 303-323): LSKSLSCASS[Arg313Ser]EPLHPMFPDQ

ClinVar aggregate classification (germline): Uncertain significance. Review status: criteria provided, multiple submitters, no conflicts (2 of 4 stars). 2 submissions from 2 submitters: Uncertain significance (2). Last evaluated 2025-09-18.

Conditions:
Left ventricular noncompaction 1 (LVNC1). Also called: LEFT VENTRICULAR NONCOMPACTION 1 WITH OR WITHOUT CONGENITAL HEART DEFECTS. Identifiers: Orphanet 54260, MedGen C1858725, MONDO:0011403, OMIM 604169.
DTNA-related disorder. Also called: DTNA-related condition.

gnomAD v4.1: 13 of 1,614,108 alleles (0.00081%); highest among the groups gnomAD compares: East Asian, 0.027%; no homozygotes.

Submissions (2):

PreventionGenetics, part of Exact Sciences
Classification: Uncertain significance for DTNA-related condition. Last evaluated: 2025-09-18. Review status: criteria provided, single submitter. Criteria: ACMG Guidelines, 2015. Collection method: clinical testing. Allele origin: germline.
Comment: The DTNA c.937C>A variant is predicted to result in the amino acid substitution p.Arg313Ser. To our knowledge, this variant has not been reported in the literature. This variant is reported in 0.038% of alleles in individuals of East Asian descent in gnomAD. Although we suspect that this variant may be benign, at this time, the clinical significance of this variant is uncertain due to the absence of conclusive functional and genetic evidence.

Labcorp Genetics (formerly Invitae), Labcorp
Classification: Uncertain significance for Left ventricular noncompaction 1. Last evaluated: 2024-03-25. Review status: criteria provided, single submitter. Criteria: Invitae Variant Classification Sherloc (09022015). Collection method: clinical testing. Allele origin: germline.
Comment: This sequence change replaces arginine, which is basic and polar, with serine, which is neutral and polar, at codon 313 of the DTNA protein (p.Arg313Ser). This variant is present in population databases (rs536920784, gnomAD 0.04%). This variant has not been reported in the literature in individuals affected with DTNA-related conditions. Advanced modeling of protein sequence and biophysical properties (such as structural, functional, and spatial information, amino acid conservation, physicochemical variation, residue mobility, and thermodynamic stability) performed at Invitae indicates that this missense variant is not expected to disrupt DTNA protein function with a negative predictive value of 80%. In summary, the available evidence is currently insufficient to determine the role of this variant in disease. Therefore, it has been classified as a Variant of Uncertain Significance.